The following is an entry in ClinVar:

NM_018960.6(GNMT):c.10A>G (p.Ser4Gly)

Genes: CNPY3-GNMT (CNPY3-GNMT readthrough; plus strand), GNMT (glycine N-methyltransferase; plus strand). Cytogenetic location: 6p21.1.
Variant type: single nucleotide variant.
Coding change: c.10A>G on transcript NM_018960.6 (MANE Select); coding-DNA position 10, A replaced by G.
Protein change: p.Ser4Gly; replaces serine 4 with glycine.
Molecular consequence: missense variant. On other transcripts: non-coding transcript variant (1), intron variant (3).
Genome position (GRCh38, 1-based): chr6:42,960,777, A>G. VCF-style: chr6-42960777-A-G. GRCh37 (hg19) VCF-style: chr6-42928515-A-G.
Other names: c.10A>G, p.Ser4Gly (NM_001318865.2); c.9-1435A>G (NM_001318856.2); c.152-1985A>G (NM_001318857.2, NM_001318858.2); short protein forms S4G.
Identifiers: ClinVar variation 967584 (VCV000967584.8), dbSNP rs773780925, ClinGen allele CA3810570.
Genomic context (GRCh38, chr6:42,960,777, plus strand): 5'-CTTATGCTTTAAGTGCGGAGCGGGTGGCTGCGGAGCCAGGCGCGGCGCAGGATGGTGGAC[A>G]GCGTGTACCGGACCCGCTCCCTGGGGGTGGCGGCCGAAGGGCTCCCGGACCAGTACGCGG-3'
Protein context (NP_061833.1, residues 1-14): MVD[Ser4Gly]VYRTRSLGVA

ClinVar aggregate classification (germline): Uncertain significance (1 of 4 stars; one submission).

Allele frequency attached by ClinVar (database versions not stated): ExAC below 0.00001; gnomAD exomes below 0.00001 and 0.00001; TOPMed below 0.00001; gnomAD 0.00001.

Submission:

Labcorp Genetics (formerly Invitae), Labcorp
Classification: Uncertain significance. Last evaluated: 2019-10-15. Review status: criteria provided, single submitter. Criteria: Invitae Variant Classification Sherloc (09022015). Collection method: clinical testing. Allele origin: germline.
Comment: This sequence change replaces serine with glycine at codon 4 of the GNMT protein (p.Ser4Gly). The serine residue is highly conserved and there is a small physicochemical difference between serine and glycine. The frequency data for this variant in the population databases is considered unreliable, as metrics indicate poor data quality at this position in the ExAC database. This variant has not been reported in the literature in individuals with GNMT-related conditions. Algorithms developed to predict the effect of missense changes on protein structure and function are either unavailable or do not agree on the potential impact of this missense change (SIFT: "Deleterious"; PolyPhen-2: "Benign"; Align-GVGD: "Class C0"). In summary, the available evidence is currently insufficient to determine the role of this variant in disease. Therefore, it has been classified as a Variant of Uncertain Significance.